The following is an entry in ClinVar:

NM_000284.4(PDHA1):c.1010A>C (p.Glu337Ala)

Gene: PDHA1 (pyruvate dehydrogenase E1 subunit alpha 1; plus strand). Cytogenetic location: Xp22.12.
Variant type: single nucleotide variant.
Coding change: c.1010A>C on transcript NM_000284.4 (MANE Select); coding-DNA position 1010, A replaced by C.
Protein change: p.Glu337Ala; replaces glutamic acid 337 with alanine.
Molecular consequence: missense variant.
Genome position (GRCh38, 1-based): chrX:19,359,490, A>C. VCF-style: chrX-19359490-A-C. GRCh37 (hg19) VCF-style: chrX-19377608-A-C.
Other names: c.1124A>C, p.Glu375Ala (NM_001173454.2); c.1031A>C, p.Glu344Ala (NM_001173455.2); c.917A>C, p.Glu306Ala (NM_001173456.2); short protein forms E337A, E344A, E375A, E306A.
Identifiers: ClinVar variation 1980321 (VCV001980321.4), dbSNP rs2518507557, ClinGen allele CA412396350.

ClinVar aggregate classification (germline): Uncertain significance (1 of 4 stars; one submission).

Conditions:
Pyruvate dehydrogenase E1-alpha deficiency (PDHAD). Also called: ATAXIA, INTERMITTENT, WITH PYRUVATE DEHYDROGENASE DEFICIENCY; ATAXIA WITH LACTIC ACIDOSIS I; ATAXIA, INTERMITTENT, WITH ABNORMAL PYRUVATE METABOLISM; Ataxia, intermittent, with pyruvate dehydrogenase, or decarboxylase, deficiency. Identifiers: Orphanet 79243, MedGen C1839413, MONDO:0010717, OMIM 312170.

Submission:

Labcorp Genetics (formerly Invitae), Labcorp
Classification: Uncertain significance for Pyruvate dehydrogenase E1-alpha deficiency. Last evaluated: 2025-01-06. Review status: criteria provided, single submitter. Criteria: Invitae Variant Classification Sherloc (09022015). Collection method: clinical testing. Allele origin: germline.
Comment: This sequence change replaces glutamic acid, which is acidic and polar, with alanine, which is neutral and non-polar, at codon 337 of the PDHA1 protein (p.Glu337Ala). This variant is not present in population databases (gnomAD no frequency). This variant has not been reported in the literature in individuals affected with PDHA1-related conditions. ClinVar contains an entry for this variant (Variation ID: 1980321). An algorithm developed to predict the effect of missense changes on protein structure and function (PolyPhen-2) suggests that this variant is likely to be tolerated. In summary, the available evidence is currently insufficient to determine the role of this variant in disease. Therefore, it has been classified as a Variant of Uncertain Significance.